The following is an entry in ClinVar:

ClinVar aggregate classification (germline): Likely benign (1 of 4 stars; one submission).

Allele frequency attached by ClinVar (database versions not stated): TOPMed 0.00001.
gnomAD v4.1: 13 of 1,209,843 alleles (0.0011%); highest among the groups gnomAD compares: Middle Eastern, 0.046%; no homozygotes.

Submission:

CeGaT Center for Human Genetics Tuebingen
Classification: Likely benign. Last evaluated: 2023-12-01. Review status: criteria provided, single submitter. Criteria: CeGaT Center For Human Genetics Tuebingen Variant Classification Criteria Version 2. Collection method: clinical testing. Allele origin: germline. Affected: yes. Observed: 2 variant alleles.
Comment: NEXMIF: BP4, BP7

NM_001008537.3(NEXMIF):c.2373A>G (p.Thr791=)

Gene: NEXMIF (neurite extension and migration factor; minus strand). Cytogenetic location: Xq13.3.
Variant type: single nucleotide variant.
Coding change: c.2373A>G on transcript NM_001008537.3 (MANE Select); coding-DNA position 2373, A replaced by G.
Protein change: p.Thr791=; no amino-acid change (threonine 791 retained).
Molecular consequence: synonymous variant.
Genome position (GRCh38, 1-based): chrX:74,742,184, T>C on the plus strand (A>G on the coding strand, the complement: NEXMIF is on the minus strand). VCF-style: chrX-74742184-T-C. GRCh37 (hg19) VCF-style: chrX-73962019-T-C.
Identifiers: ClinVar variation 871566 (VCV000871566.41), dbSNP rs61742545, ClinGen allele CA10455051.